The following is an entry in ClinVar:

NM_018896.5(CACNA1G):c.2020G>T (p.Gly674Trp)

Gene: CACNA1G (calcium voltage-gated channel subunit alpha1 G; plus strand). Cytogenetic location: 17q21.33.
Variant type: single nucleotide variant.
Coding change: c.2020G>T on transcript NM_018896.5 (MANE Select); coding-DNA position 2020, G replaced by T.
Protein change: p.Gly674Trp; replaces glycine 674 with tryptophan.
Molecular consequence: missense variant. On other transcripts: non-coding transcript variant (5).
Genome position (GRCh38, 1-based): chr17:50,578,283, G>T. VCF-style: chr17-50578283-G-T. GRCh37 (hg19) VCF-style: chr17-48655644-G-T.
Other names: c.2020G>T, p.Gly674Trp (NM_001256324.2, NM_001256325.2, NM_001256326.2 and 24 more transcripts); short protein forms G674W.
Identifiers: ClinVar variation 1700260 (VCV001700260.2), dbSNP rs201569320, ClinGen allele CA400242744.

ClinVar aggregate classification (germline): Uncertain significance (1 of 4 stars; one submission).

gnomAD v4.1: 3 of 1,613,028 alleles (0.00019%); highest among the groups gnomAD compares: Non-Finnish European, 0.00017%; no homozygotes.

Submission:

GeneDx
Classification: Uncertain significance. Last evaluated: 2022-02-03. Review status: criteria provided, single submitter. Criteria: GeneDx Variant Classification Process June 2021. Collection method: clinical testing. Allele origin: germline. Affected: yes.
Comment: Has not been previously published as pathogenic or benign to our knowledge; Not observed at significant frequency in large population cohorts (gnomAD); In silico analysis supports that this missense variant does not alter protein structure/function